The following is an entry in ClinVar:

NM_138711.6(PPARG):c.1228A>C (p.Asn410His)

Gene: PPARG (peroxisome proliferator activated receptor gamma; plus strand). Cytogenetic location: 3p25.2.
Variant type: single nucleotide variant.
Coding change: c.1228A>C on transcript NM_138711.6 (MANE Select); coding-DNA position 1228, A replaced by C.
Protein change: p.Asn410His; replaces asparagine 410 with histidine.
Molecular consequence: missense variant. On other transcripts: 3 prime UTR variant (5).
Genome position (GRCh38, 1-based): chr3:12,433,945, A>C. VCF-style: chr3-12433945-A-C. GRCh37 (hg19) VCF-style: chr3-12475444-A-C.
Other names: c.*30A>C (NM_001330615.4, NM_001374261.3, NM_001374262.3 and 1 more transcripts); c.1228A>C, p.Asn410His (NM_001354666.3, NM_001354667.3, NM_001374263.2 and 3 more transcripts); c.601A>C, p.Asn201His (NM_001354669.2); c.*14A>C (NM_001374266.1); c.1318A>C, p.Asn440His (NM_015869.5); short protein forms N201H, N410H, N440H.
Identifiers: ClinVar variation 3357781 (VCV003357781.1).
Genomic context (GRCh38, chr3:12,433,945, plus strand): 5'-TGTGCTTCCCCAGACCGCCCAGGTTTGCTGAATGTGAAGCCCATTGAAGACATTCAAGAC[A>C]ACCTGCTACAAGCCCTGGAGCTCCAGCTGAAGCTGAACCACCCTGAGTCCTCACAGCTGT-3'
Protein context (NP_619725.3, residues 400-420): NVKPIEDIQD[Asn410His]LLQALELQLK

ClinVar aggregate classification (germline): Uncertain significance (0 of 4 stars; one submission).

Conditions:
PPARG-related disorder. Also called: PPARG-related disorders; PPARG-related condition.

gnomAD v4.1: 2 of 1,614,142 alleles (0.00012%); highest among the groups gnomAD compares: Admixed American, 0.0017%; no homozygotes.

Submission:

PreventionGenetics, part of Exact Sciences
Classification: Uncertain significance for PPARG-related condition. Last evaluated: 2024-05-22. Review status: no assertion criteria provided. Collection method: clinical testing. Allele origin: germline.
Comment: The PPARG c.1318A>C variant is predicted to result in the amino acid substitution p.Asn440His. To our knowledge, this variant has not been reported in the literature or in a large population database, indicating this variant is rare. At this time, the clinical significance of this variant is uncertain due to the absence of conclusive functional and genetic evidence.